The following is an entry in ClinVar:

ClinVar aggregate classification (germline): Uncertain significance (1 of 4 stars; one submission).

Submission:

Labcorp Genetics (formerly Invitae), Labcorp
Classification: Uncertain significance. Last evaluated: 2022-09-06. Review status: criteria provided, single submitter. Criteria: Invitae Variant Classification Sherloc (09022015). Collection method: clinical testing. Allele origin: germline.
Comment: This sequence change falls in intron 23 of the ERBB4 gene. It does not directly change the encoded amino acid sequence of the ERBB4 protein. This variant is not present in population databases (gnomAD no frequency). This variant has not been reported in the literature in individuals affected with ERBB4-related conditions. Algorithms developed to predict the effect of sequence changes on RNA splicing suggest that this variant may create or strengthen a splice site. In summary, the available evidence is currently insufficient to determine the role of this variant in disease. Therefore, it has been classified as a Variant of Uncertain Significance.

NM_005235.3(ERBB4):c.2867-5T>A

Gene: ERBB4 (erb-b2 receptor tyrosine kinase 4; minus strand). Cytogenetic location: 2q34.
Variant type: single nucleotide variant.
Coding change: c.2867-5T>A on transcript NM_005235.3 (MANE Select); 5 bases into the intron before coding-DNA position 2867, T replaced by A.
Molecular consequence: intron variant.
Genome position (GRCh38, 1-based): chr2:211,422,109, A>T on the plus strand (T>A on the coding strand, the complement: ERBB4 is on the minus strand). VCF-style: chr2-211422109-A-T. GRCh37 (hg19) VCF-style: chr2-212286834-A-T.
Other names: c.2867-5T>A (NM_001042599.2); c.2837-5T>A (NM_001439006.1, NM_001439005.1).
Identifiers: ClinVar variation 2012957 (VCV002012957.4), dbSNP rs2469378486, ClinGen allele CA2580065536.